The following is an entry in ClinVar:

ClinVar aggregate classification (germline): Uncertain significance (1 of 4 stars; one submission).

Conditions:
Inborn genetic diseases. Identifiers: MedGen C0950123, MeSH D030342.

gnomAD v4.1: 1 of 1,599,250 alleles (0.000063%); highest among the groups gnomAD compares: East Asian, 0.0022%; no homozygotes.

Submission:

Ambry Genetics
Classification: Uncertain significance for Inborn genetic diseases. Last evaluated: 2017-09-29. Review status: criteria provided, single submitter. Criteria: Ambry Variant Classification Scheme 2023. Collection method: clinical testing. Allele origin: germline.
Comment: The p.K601Q variant (also known as c.1801A>C), located in coding exon 4 of the NSD1 gene, results from an A to C substitution at nucleotide position 1801. The lysine at codon 601 is replaced by glutamine, an amino acid with similar properties. This amino acid position is not well conserved in available vertebrate species, and glutamine is the reference amino acid in other vertebrate species. In addition, this alteration is predicted to be tolerated by in silico analysis. Since supporting evidence is limited at this time, the clinical significance of this alteration remains unclear.

NM_022455.5(NSD1):c.1801A>C (p.Lys601Gln)

Gene: NSD1 (nuclear receptor binding SET domain protein 1; plus strand). Cytogenetic location: 5q35.3.
Variant type: single nucleotide variant.
Coding change: c.1801A>C on transcript NM_022455.5 (MANE Select); coding-DNA position 1801, A replaced by C.
Protein change: p.Lys601Gln; replaces lysine 601 with glutamine.
Molecular consequence: missense variant.
Genome position (GRCh38, 1-based): chr5:177,210,200, A>C. VCF-style: chr5-177210200-A-C. GRCh37 (hg19) VCF-style: chr5-176637201-A-C.
Other names: c.928A>C, p.Lys310Gln (NM_001365684.2, NM_001409306.1, NM_001409307.1 and 3 more transcripts); c.1801A>C, p.Lys601Gln (NM_001409301.1, NM_001409302.1, NM_001409303.1); c.1381A>C, p.Lys461Gln (NM_001409304.1); c.1048A>C, p.Lys350Gln (NM_001409305.1); short protein forms K310Q, K332Q, K461Q, K601Q, K350Q.
Identifiers: ClinVar variation 1780406 (VCV001780406.2), dbSNP rs780179136, ClinGen allele CA362311390.
Genomic context (GRCh38, chr5:177,210,200, plus strand): 5'-GAATTTGAGACTTCAAATGGTGACTCTTTATTGGGCTTGCCTGAGGGTGCTTTGATCTCA[A>C]AGTGTTCTCGAGAGAAGAATAAACCCCAACGAAGCCTGGTGTGTGGTTCAAAAGTGAAGC-3'
Protein context (NP_071900.2, residues 591-611): LGLPEGALIS[Lys601Gln]CSREKNKPQR